The following is an entry in ClinVar:

NM_020822.3(KCNT1):c.1081G>A (p.Gly361Ser)

Gene: KCNT1 (potassium sodium-activated channel subfamily T member 1; plus strand). Cytogenetic location: 9q34.3.
Variant type: single nucleotide variant.
Coding change: c.1081G>A on transcript NM_020822.3 (MANE Select); coding-DNA position 1081, G replaced by A.
Protein change: p.Gly361Ser; replaces glycine 361 with serine.
Molecular consequence: missense variant.
Genome position (GRCh38, 1-based): chr9:135,765,076, G>A. VCF-style: chr9-135765076-G-A. GRCh37 (hg19) VCF-style: chr9-138656922-G-A.
Other names: c.946G>A, p.Gly316Ser (NM_001272003.2); c.1081G>A (NM_020822.2); short protein forms G316S, G361S.
Identifiers: ClinVar variation 2174532 (VCV002174532.6), dbSNP rs2490900970, ClinGen allele CA375499969.
Genomic context (GRCh38, chr9:135,765,076, plus strand): 5'-GTTTCTCACCTGCAGTTCGAGGAGCTCGTCTACCTCTGGATGGAGCGGCAGAAGTCAGGG[G>A]GCAACTACAGCCGCCACCGTGCGCAGACGGAGAAGCACGTGGTCCTGTGTGTCAGCTCCC-3'
Protein context (NP_065873.2, residues 351-371): YLWMERQKSG[Gly361Ser]NYSRHRAQTE

ClinVar aggregate classification (germline): Uncertain significance. Review status: criteria provided, multiple submitters, no conflicts (2 of 4 stars). 2 submissions from 2 submitters: Uncertain significance (2). Last evaluated 2025-09-05.

Conditions:
Developmental and epileptic encephalopathy, 14 (DEE14). Also called: Early infantile epileptic encephalopathy 14. Identifiers: Orphanet 293181, MedGen C3554195, MONDO:0013989, OMIM 614959.
Autosomal dominant nocturnal frontal lobe epilepsy 5. Also called: Epilepsy, nocturnal frontal lobe, 5; CILIARY DYSKINESIA, PRIMARY, 28, WITHOUT SITUS INVERSUS; CILIARY DYSKINESIA, PRIMARY, 28, WITH SITUS INVERSUS; KCNT1-Related Epilepsy. Identifiers: Orphanet 98784, MedGen C3554306, MONDO:0014002, OMIM 615005.

Submissions (2):

GeneDx
Classification: Uncertain significance. Last evaluated: 2025-09-05. Review status: criteria provided, single submitter. Criteria: GeneDx Variant Classification Process June 2021. Collection method: clinical testing. Allele origin: germline.
Comment: Not observed at significant frequency in large population cohorts (gnomAD); In silico analysis supports that this missense variant has a deleterious effect on protein structure/function; Has not been previously published as pathogenic or benign to our knowledge

Labcorp Genetics (formerly Invitae), Labcorp
Classification: Uncertain significance for Autosomal dominant nocturnal frontal lobe epilepsy 5; Developmental and epileptic encephalopathy, 14. Last evaluated: 2022-11-01. Review status: criteria provided, single submitter. Criteria: Invitae Variant Classification Sherloc (09022015). Collection method: clinical testing. Allele origin: germline.
Comment: This sequence change replaces glycine, which is neutral and non-polar, with serine, which is neutral and polar, at codon 361 of the KCNT1 protein (p.Gly361Ser). In summary, the available evidence is currently insufficient to determine the role of this variant in disease. Therefore, it has been classified as a Variant of Uncertain Significance. Advanced modeling of protein sequence and biophysical properties (such as structural, functional, and spatial information, amino acid conservation, physicochemical variation, residue mobility, and thermodynamic stability) has been performed at Invitae for this missense variant, however the output from this modeling did not meet the statistical confidence thresholds required to predict the impact of this variant on KCNT1 protein function. This variant has not been reported in the literature in individuals affected with KCNT1-related conditions. This variant is not present in population databases (gnomAD no frequency).